The following is an entry in ClinVar:

ClinVar aggregate classification (germline): Uncertain significance (1 of 4 stars; one submission).

Conditions:
Episodic kinesigenic dyskinesia (EKD). Also called: Paroxysmal kinesigenic dyskinesia. Identifiers: Orphanet 98809, MedGen C1868682, MONDO:0044202.

Submission:

Labcorp Genetics (formerly Invitae), Labcorp
Classification: Uncertain significance for Episodic kinesigenic dyskinesia. Last evaluated: 2022-03-28. Review status: criteria provided, single submitter. Criteria: Invitae Variant Classification Sherloc (09022015). Collection method: clinical testing. Allele origin: germline.
Comment: Experimental studies and prediction algorithms are not available or were not evaluated, and the functional significance of this variant is currently unknown. In summary, the available evidence is currently insufficient to determine the role of this variant in disease. Therefore, it has been classified as a Variant of Uncertain Significance. This variant has not been reported in the literature in individuals affected with PRRT2-related conditions. This variant is present in population databases (no rsID available, gnomAD 0.01%). This variant, c.1001_1003del, results in the deletion of 1 amino acid(s) of the PRRT2 protein (p.Ile334del), but otherwise preserves the integrity of the reading frame.

NM_145239.3(PRRT2):c.998TCA[1] (p.Ile334del)

Genes: MVP-DT (MVP divergent transcript; minus strand), PRRT2 (proline rich transmembrane protein 2; plus strand). Cytogenetic location: 16p11.2.
Variant type: Microsatellite.
Coding change: c.998TCA[1] on transcript NM_145239.3 (MANE Select); one copy of the 3-base unit TCA starting at c.998; the reference has two copies in a row; one copy, 3 bases deleted.
Protein change: p.Ile334del; deletes isoleucine 334.
Molecular consequence: inframe deletion. On other transcripts: 3 prime UTR variant (1).
Genome position (GRCh38, 1-based): chr16:29,814,454-29,814,456, TCA deleted; deleting any 3 consecutive bases within chr16:29,814,451-29,814,456 gives the same sequence; the position shown is the placement nearest the transcript's 3' end. VCF-style (leftmost placement, unchanged base first): chr16-29814450-GTCA-G. GRCh37 (hg19) VCF-style: chr16-29825771-GTCA-G.
Other names: c.998TCA[1], p.Ile334del (NM_001256442.2); c.*497TCA[1] (NM_001256443.2); short protein forms I334del.
Identifiers: ClinVar variation 2072236 (VCV002072236.4), dbSNP rs1368491042, ClinGen allele CA622164918.